The following is an entry in ClinVar:

ClinVar aggregate classification (germline): Conflicting classifications of pathogenicity. Review status: criteria provided, conflicting classifications (1 of 4 stars). 2 submissions from 2 submitters: Uncertain significance (1); Likely benign (1). Last evaluated 2026-02-01.

Conditions:
Short-rib thoracic dysplasia 10 with or without polydactyly (SRTD10). Identifiers: Orphanet 474, MedGen C3810175, MONDO:0014284, OMIM 615630.
Jeune thoracic dystrophy. Also called: Short-rib thoracic dysplasia; Jeune syndrome; Infantile thoracic dystrophy; Thoracic pelvic phalangeal dystrophy; Jeune's syndrome; Chondroectodermal dysplasia-like syndrome. Identifiers: Orphanet 474, MedGen C0265275, MONDO:0018770.

Allele frequency attached by ClinVar (database versions not stated): gnomAD below 0.00001 and 0.00003; TOPMed 0.00001; 1000 Genomes Project 0.00020; 1000 Genomes Project 30x 0.00031.
gnomAD v4.1: 119 of 1,609,440 alleles (0.0074%); highest among the groups gnomAD compares: South Asian, 0.12%; 2 homozygotes.

Submissions (2):

Labcorp Genetics (formerly Invitae), Labcorp
Classification: Likely benign for Jeune thoracic dystrophy. Last evaluated: 2026-02-01. Review status: criteria provided, single submitter. Criteria: Invitae Variant Classification Sherloc (09022015). Collection method: clinical testing. Allele origin: germline.

Neuberg Centre For Genomic Medicine, NCGM
Classification: Uncertain significance for Short-rib thoracic dysplasia 10 with or without polydactyly. Review status: criteria provided, single submitter. Criteria: ACMG Guidelines, 2015. Collection method: clinical testing. Allele origin: germline. Inheritance: Autosomal recessive inheritance. Affected: yes.
Comment: The missense variant c.332C>T (p.Ala111Val) in IFT80 gene has not been reported previously as a pathogenic variant nor as a benign variant, to our knowledge. This variant has been reported to the ClinVar database as Uncertain Significance. The p.Ala111Val variant is novel (not in any individuals) in 1000 Genomes and allele frequency of 0.01756% is reported in gnomAD. The amino acid Ala at position 111 is changed to a Val changing protein sequence and it might alter its composition and physico-chemical properties. In silico tools predict the variant to be tolerated. The residue is conserved across species. The amino acid change p.Ala111Val in IFT80 is predicted as conserved by GERP++ and PhyloP across 100 vertebrates. For these reasons, this variant has been classified as Uncertain Significance .

NM_020800.3(IFT80):c.332C>T (p.Ala111Val)

Genes: IFT80 (intraflagellar transport 80; minus strand), TRIM59-IFT80 (TRIM59-IFT80 readthrough (NMD candidate); minus strand). Cytogenetic location: 3q25.33.
Variant type: single nucleotide variant.
Coding change: c.332C>T on transcript NM_020800.3 (MANE Select); coding-DNA position 332, C replaced by T.
Protein change: p.Ala111Val; replaces alanine 111 with valine.
Molecular consequence: missense variant. On other transcripts: non-coding transcript variant (2), 5 prime UTR variant (2).
Genome position (GRCh38, 1-based): chr3:160,377,468, G>A on the plus strand (C>T on the coding strand, the complement: IFT80 is on the minus strand). VCF-style: chr3-160377468-G-A. GRCh37 (hg19) VCF-style: chr3-160095256-G-A.
Other names: c.-80C>T (NM_001190241.2, NM_001190242.2); short protein forms A111V.
Identifiers: ClinVar variation 863897 (VCV000863897.8), dbSNP rs557375681, ClinGen allele CA2685523.